The following is an entry in ClinVar:

NM_006231.4(POLE):c.1075A>G (p.Met359Val)

Gene: POLE (DNA polymerase epsilon, catalytic subunit; minus strand). Cytogenetic location: 12q24.33.
Variant type: single nucleotide variant.
Coding change: c.1075A>G on transcript NM_006231.4 (MANE Select); coding-DNA position 1075, A replaced by G.
Protein change: p.Met359Val; replaces methionine 359 with valine.
Molecular consequence: missense variant.
Genome position (GRCh38, 1-based): chr12:132,675,766, T>C on the plus strand (A>G on the coding strand, the complement: POLE is on the minus strand). VCF-style: chr12-132675766-T-C. GRCh37 (hg19) VCF-style: chr12-133252352-T-C.
Other names: short protein forms M359V.
Identifiers: ClinVar variation 1784598 (VCV001784598.9), dbSNP rs2136011317, ClinGen allele CA387361475.

ClinVar aggregate classification (germline): Conflicting classifications of pathogenicity. Review status: criteria provided, conflicting classifications (1 of 4 stars). 2 submissions from 2 submitters: Uncertain significance (1); Likely benign (1). Last evaluated 2025-04-14.

Conditions:
Hereditary cancer-predisposing syndrome. Also called: Neoplastic Syndromes, Hereditary; Tumor predisposition; Hereditary Cancer Syndrome; Hereditary neoplastic syndrome. Identifiers: Orphanet 140162, MedGen C0027672, MeSH D009386, MONDO:0015356.

Allele frequency attached by ClinVar (database versions not stated): gnomAD exomes below 0.00001.
gnomAD v4.1: 3 of 1,614,158 alleles (0.00019%); highest among the groups gnomAD compares: Non-Finnish European, 0.00017%; no homozygotes.

Submissions (2):

Ambry Genetics
Classification: Likely benign for Hereditary cancer-predisposing syndrome. Last evaluated: 2025-04-14. Review status: criteria provided, single submitter. Criteria: Ambry Variant Classification Scheme 2023. Collection method: clinical testing. Allele origin: germline.

Labcorp Genetics (formerly Invitae), Labcorp
Classification: Uncertain significance. Last evaluated: 2024-03-07. Review status: criteria provided, single submitter. Criteria: Invitae Variant Classification Sherloc (09022015). Collection method: clinical testing. Allele origin: germline.
Comment: This sequence change replaces methionine, which is neutral and non-polar, with valine, which is neutral and non-polar, at codon 359 of the POLE protein (p.Met359Val). This variant is not present in population databases (gnomAD no frequency). This variant has not been reported in the literature in individuals affected with POLE-related conditions. ClinVar contains an entry for this variant (Variation ID: 1784598). Advanced modeling of protein sequence and biophysical properties (such as structural, functional, and spatial information, amino acid conservation, physicochemical variation, residue mobility, and thermodynamic stability) performed at Invitae indicates that this missense variant is not expected to disrupt POLE protein function with a negative predictive value of 80%. In summary, the available evidence is currently insufficient to determine the role of this variant in disease. Therefore, it has been classified as a Variant of Uncertain Significance.